The following is an entry in ClinVar:

ClinVar aggregate classification (germline): Benign. Review status: criteria provided, multiple submitters, no conflicts (2 of 4 stars). 6 submissions from 6 submitters: Benign (6). Last evaluated 2026-02-04.

Conditions:
T-B+ severe combined immunodeficiency due to JAK3 deficiency. Also called: SCID, T CELL-NEGATIVE, B CELL-POSITIVE, NK CELL-NEGATIVE; SCID, autosomal recessive, T-negative/B-positive type. Identifiers: Orphanet 35078, MedGen C1833275, MONDO:0010938, OMIM 600802.

Allele frequency attached by ClinVar (database versions not stated): gnomAD exomes 0.07170 and 0.07945; ExAC 0.08500; 1000 Genomes Project 0.11222; 1000 Genomes Project 30x 0.11321; gnomAD 0.11872 and 0.12273; TOPMed 0.11927; ESP Exome Variant Server 0.12702.
gnomAD v4.1: 123,093 of 1,613,714 alleles (7.6%); highest among the groups gnomAD compares: African/African-American, 24%; 6,117 homozygotes.

Submissions (6):

Labcorp Genetics (formerly Invitae), Labcorp
Classification: Benign for T-B+ severe combined immunodeficiency due to JAK3 deficiency. Last evaluated: 2026-02-04. Review status: criteria provided, single submitter. Criteria: Invitae Variant Classification Sherloc (09022015). Collection method: clinical testing. Allele origin: germline.

Illumina Laboratory Services, Illumina
Classification: Benign for T-B+ severe combined immunodeficiency due to JAK3 deficiency. Last evaluated: 2018-01-13. Review status: criteria provided, single submitter. Criteria: ICSL Variant Classification Criteria 13 December 2019. Collection method: clinical testing. Allele origin: germline.
Comment: This variant was observed in the ICSL laboratory as part of a predisposition screen in an ostensibly healthy population. It had not been previously curated by ICSL or reported in the Human Gene Mutation Database (HGMD: prior to June 1st, 2018), and was therefore a candidate for classification through an automated scoring system. Utilizing variant allele frequency, disease prevalence and penetrance estimates, and inheritance mode, an automated score was calculated to assess if this variant is too frequent to cause the disease. Based on the score and internal cut-off values, a variant classified as benign is not then subjected to further curation. The score for this variant resulted in a classification of benign for this disease.

Women's Health and Genetics/Laboratory Corporation of America, LabCorp
Classification: Benign. Last evaluated: 2017-11-28. Review status: criteria provided, single submitter. Criteria: LabCorp Variant Classification Summary - May 2015. Collection method: clinical testing. Allele origin: germline.
Comment: Variant summary: The JAK3 c.1701+9A>G intronic variant involves the alteration of a non-conserved nucleotide. One in silico tool predicts a benign outcome for this variant. 5/5 splice prediction tools predict no significant impact on normal splicing. However, these predictions have yet to be confirmed by functional studies. This variant was found in 23471/277188 control chromosomes (1409 homozygotes) at a frequency of 0.0846754, which is approximately 78 times the estimated maximal expected allele frequency of a pathogenic JAK3 variant (0.0010801), suggesting this variant is likely a benign polymorphism. This variant has been reported in 2 patients with SCID (Walshe 2009), however without strong evidence for causality. In addition, multiple clinical diagnostic laboratories/reputable databases classified this variant as benign. Taken together, this variant is classified as benign.

Laboratory for Molecular Medicine, Mass General Brigham Personalized Medicine
Classification: Benign. Last evaluated: 2016-03-28. Review status: criteria provided, single submitter. Criteria: LMM Criteria. Collection method: clinical testing. Allele origin: germline.
Comment: Variant identified in a genome or exome case(s) and assessed due to predicted null impact of the variant or pathogenic assertions in the literature or databases. Disclaimer: This variant has not undergone full assessment. The following are preliminary notes: Frequency

GeneDx
Classification: Benign. Last evaluated: 2013-08-02. Review status: criteria provided, single submitter. Criteria: GeneDx Variant Classification (06012015). Collection method: clinical testing. Allele origin: germline. Affected: yes.
Comment: This variant is considered likely benign or benign based on one or more of the following criteria: it is a conservative change, it occurs at a poorly conserved position in the protein, it is predicted to be benign by multiple in silico algorithms, and/or has population frequency not consistent with disease.

Breakthrough Genomics
Classification: Benign. Review status: criteria provided, single submitter. Criteria: ACMG Guidelines, 2015. Collection method: not provided. Allele origin: germline. Inheritance: Autosomal recessive inheritance. Affected: yes.

Literature cited by the submitters: PubMed 25672756 (cited by Women's Health and Genetics/Laboratory Corporation of America, LabCorp); PubMed 19282076 (cited by Women's Health and Genetics/Laboratory Corporation of America, LabCorp); PubMed 25815310 (cited by Women's Health and Genetics/Laboratory Corporation of America, LabCorp).

NM_000215.4(JAK3):c.1701+9A>G

Gene: JAK3 (Janus kinase 3; minus strand). Cytogenetic location: 19p13.11.
Variant type: single nucleotide variant.
Coding change: c.1701+9A>G on transcript NM_000215.4 (MANE Select); 9 bases into the intron after coding-DNA position 1701, A replaced by G.
Molecular consequence: intron variant.
Genome position (GRCh38, 1-based): chr19:17,837,923, T>C on the plus strand (A>G on the coding strand, the complement: JAK3 is on the minus strand). VCF-style: chr19-17837923-T-C. GRCh37 (hg19) VCF-style: chr19-17948732-T-C.
Identifiers: ClinVar variation 137597 (VCV000137597.18), dbSNP rs3212752, ClinGen allele CA291256.